The following is an entry in ClinVar:

ClinVar aggregate classification (germline): Uncertain significance (1 of 4 stars; one submission).

gnomAD v4.1: 7 of 1,354,512 alleles (0.00052%); highest among the groups gnomAD compares: Non-Finnish European, 0.00067%; no homozygotes.

Submission:

GeneDx
Classification: Uncertain significance. Last evaluated: 2025-01-23. Review status: criteria provided, single submitter. Criteria: GeneDx Variant Classification Process June 2021. Collection method: clinical testing. Allele origin: germline. Affected: yes.
Comment: Not observed at significant frequency in large population cohorts (gnomAD); In silico analysis indicates that this missense variant does not alter protein structure/function; Has not been previously published as pathogenic or benign to our knowledge

NM_170682.4(P2RX2):c.31G>C (p.Gly11Arg)

Gene: P2RX2 (purinergic receptor P2X 2; plus strand). Cytogenetic location: 12q24.33.
Variant type: single nucleotide variant.
Coding change: c.31G>C on transcript NM_170682.4 (MANE Select); coding-DNA position 31, G replaced by C.
Protein change: p.Gly11Arg; replaces glycine 11 with arginine.
Molecular consequence: missense variant.
Genome position (GRCh38, 1-based): chr12:132,618,847, G>C. VCF-style: chr12-132618847-G-C. GRCh37 (hg19) VCF-style: chr12-133195433-G-C.
Other names: c.31G>C, p.Gly11Arg (NM_001282164.2, NM_001282165.2, NM_012226.5 and 4 more transcripts); short protein forms G11R.
Identifiers: ClinVar variation 4071664 (VCV004071664.1).
Genomic context (GRCh38, chr12:132,618,847, plus strand): 5'-GCCTTCCTGGAGGTGGGGGCCGCCCGCGCCATGGCCGCCGCCCAGCCCAAGTACCCCGCC[G>C]GGGCGACCGCCCGGCGCCTGGCCCGGGGCTGCTGGTCCGCCCTCTGGGACTACGAGACGC-3'
Protein context (NP_733782.1, residues 1-21): MAAAQPKYPA[Gly11Arg]ATARRLARGC